The following is an entry in ClinVar:

NM_176824.3(BBS7):c.1890+2dup

Gene: BBS7 (Bardet-Biedl syndrome 7; minus strand). Cytogenetic location: 4q27.
Variant type: Duplication.
Coding change: c.1890+2dup on transcript NM_176824.3 (MANE Select); the canonical splice donor site of the intron after coding-DNA position 1890, one base duplicated (T; older notation c.1890+2dupT).
Molecular consequence: splice donor variant.
Genome position (GRCh38, 1-based): chr4:121,828,400, A duplicated on the plus strand (T on the coding strand, the reverse complement: BBS7 is on the minus strand). VCF-style (leftmost placement, unchanged base first): chr4-121828399-T-TA. GRCh37 (hg19) VCF-style: chr4-122749554-T-TA.
Other names: c.1890+2dup (NM_018190.4).
Identifiers: ClinVar variation 2006644 (VCV002006644.4), dbSNP rs2476802488, ClinGen allele CA2580071477.
Genomic context (GRCh38, chr4:121,828,399, plus strand): 5'-TAATTTTAGAAATCCTATGACTTCAAATAATAATCACCAGTCCACGACGACACATGTACT[T>TA]ACTTTTAAAGCATCAATTAACTGCACTTTCTTAGCCAAAAGCAACTGGTACTCCAGCTTT-3'

ClinVar aggregate classification (germline): Uncertain significance (1 of 4 stars; one submission).

Conditions:
Bardet-Biedl syndrome (BBS). Identifiers: Orphanet 110, MedGen C0752166, MONDO:0015229.

Submission:

Labcorp Genetics (formerly Invitae), Labcorp
Classification: Uncertain significance for Bardet-Biedl syndrome. Last evaluated: 2025-05-05. Review status: criteria provided, single submitter. Criteria: Invitae Variant Classification Sherloc (09022015). Collection method: clinical testing. Allele origin: germline.
Comment: This sequence change falls in intron 17 of the BBS7 gene. It does not directly change the encoded amino acid sequence of the BBS7 protein. It affects a nucleotide within the consensus splice site. This variant is not present in population databases (gnomAD no frequency). This variant has not been reported in the literature in individuals affected with BBS7-related conditions. ClinVar contains an entry for this variant (Variation ID: 2006644). Variants that disrupt the consensus splice site are a relatively common cause of aberrant splicing (PMID: 17576681, 9536098). Algorithms developed to predict the effect of sequence changes on RNA splicing suggest that this variant may disrupt the consensus splice site. In summary, the available evidence is currently insufficient to determine the role of this variant in disease. Therefore, it has been classified as a Variant of Uncertain Significance.

Literature cited by the submitters: PubMed 17576681; PubMed 9536098.